The following is an entry in ClinVar:

NM_018979.4(WNK1):c.4609A>G (p.Thr1537Ala)

Gene: WNK1 (WNK lysine deficient protein kinase 1; plus strand). Cytogenetic location: 12p13.33.
Variant type: single nucleotide variant.
Coding change: c.4609A>G on transcript NM_018979.4 (MANE Select); coding-DNA position 4609, A replaced by G.
Protein change: p.Thr1537Ala; replaces threonine 1537 with alanine.
Molecular consequence: missense variant.
Genome position (GRCh38, 1-based): chr12:885,413, A>G. VCF-style: chr12-885413-A-G. GRCh37 (hg19) VCF-style: chr12-994579-A-G.
Other names: c.5389A>G, p.Thr1797Ala (NM_001184985.2); c.3868A>G, p.Thr1290Ala (NM_014823.3); c.5365A>G, p.Thr1789Ala (NM_213655.5); short protein forms T1537A, T1789A, T1797A, T1290A.
Identifiers: ClinVar variation 649090 (VCV000649090.8), dbSNP rs761319041, ClinGen allele CA6383004.

ClinVar aggregate classification (germline): Uncertain significance (1 of 4 stars; one submission).

Conditions:
Pseudohypoaldosteronism type 2C (PHA2C). Also called: Pseudohypoaldosteronism Type IIC. Identifiers: Orphanet 757, Orphanet 88940, MedGen C1840391, MONDO:0013778, OMIM 614492.
Neuropathy, hereditary sensory and autonomic, type 2A (HSAN2A). Also called: ACROOSTEOLYSIS, GIACCAI TYPE; ACROOSTEOLYSIS, NEUROGENIC; HSAN IIA; WNK1-Related HSAN2 (HSAN2A); MORVAN DISEASE; NEUROPATHY, CONGENITAL SENSORY. Identifiers: Orphanet 970, MedGen C2752089, MONDO:0024309, OMIM 201300.

Allele frequency attached by ClinVar (database versions not stated): gnomAD exomes below 0.00001; ExAC 0.00001.
gnomAD v4.1: 1 of 1,613,760 alleles (0.000062%); no homozygotes.

Submission:

Labcorp Genetics (formerly Invitae), Labcorp
Classification: Uncertain significance for Neuropathy, hereditary sensory and autonomic, type 2A; Pseudohypoaldosteronism type 2C. Last evaluated: 2018-08-02. Review status: criteria provided, single submitter. Criteria: Invitae Variant Classification Sherloc (09022015). Collection method: clinical testing. Allele origin: germline.
Comment: In summary, the available evidence is currently insufficient to determine the role of this variant in disease. Therefore, it has been classified as a Variant of Uncertain Significance. Algorithms developed to predict the effect of missense changes on protein structure and function output the following: SIFT: "Tolerated"; PolyPhen-2: "Benign"; Align-GVGD: "Class C0". The alanine amino acid residue is found in multiple mammalian species, suggesting that this missense change does not adversely affect protein function. These predictions have not been confirmed by published functional studies and their clinical significance is uncertain. This variant has not been reported in the literature in individuals with WNK1-related disease. This variant is present in population databases (rs761319041, ExAC 0.001%). This sequence change replaces threonine with alanine at codon 1537 of the WNK1 protein (p.Thr1537Ala). The threonine residue is highly conserved and there is a small physicochemical difference between threonine and alanine.